The following is an entry in ClinVar:

NM_001164508.2(NEB):c.5678A>G (p.Tyr1893Cys)

Gene: NEB (nebulin; minus strand). Cytogenetic location: 2q23.3.
Variant type: single nucleotide variant.
Coding change: c.5678A>G on transcript NM_001164508.2 (MANE Select); coding-DNA position 5678, A replaced by G.
Protein change: p.Tyr1893Cys; replaces tyrosine 1893 with cysteine.
Molecular consequence: missense variant.
Genome position (GRCh38, 1-based): chr2:151,663,633, T>C on the plus strand (A>G on the coding strand, the complement: NEB is on the minus strand). VCF-style: chr2-151663633-T-C. GRCh37 (hg19) VCF-style: chr2-152520147-T-C.
Other names: c.5678A>G, p.Tyr1893Cys (NM_001164507.2, NM_001271208.2, NM_004543.5); short protein forms Y1893C.
Identifiers: ClinVar variation 1991874 (VCV001991874.1), dbSNP rs1330293861, ClinGen allele CA348807823.

ClinVar aggregate classification (germline): Uncertain significance (1 of 4 stars; one submission).

Conditions:
Nemaline myopathy 2 (NEM2). Also called: Nemaline myopathy 2, autosomal recessive. Identifiers: MedGen C1850569, MONDO:0009725, OMIM 256030.

Allele frequency attached by ClinVar (database versions not stated): gnomAD exomes below 0.00001; TOPMed below 0.00001.
gnomAD v4.1: 4 of 1,613,802 alleles (0.00025%); highest among the groups gnomAD compares: South Asian, 0.0011%; no homozygotes.

Submission:

Labcorp Genetics (formerly Invitae), Labcorp
Classification: Uncertain significance for Nemaline myopathy 2. Last evaluated: 2022-03-19. Review status: criteria provided, single submitter. Criteria: Invitae Variant Classification Sherloc (09022015). Collection method: clinical testing. Allele origin: germline.
Comment: This sequence change replaces tyrosine, which is neutral and polar, with cysteine, which is neutral and slightly polar, at codon 1893 of the NEB protein (p.Tyr1893Cys). This variant is not present in population databases (gnomAD no frequency). This variant has not been reported in the literature in individuals affected with NEB-related conditions. Algorithms developed to predict the effect of missense changes on protein structure and function are either unavailable or do not agree on the potential impact of this missense change (SIFT: "Deleterious"; PolyPhen-2: "Not Available"; Align-GVGD: "Class C0"). In summary, the available evidence is currently insufficient to determine the role of this variant in disease. Therefore, it has been classified as a Variant of Uncertain Significance.